The following is an entry in ClinVar:

ClinVar aggregate classification (germline): Conflicting classifications of pathogenicity. Review status: criteria provided, conflicting classifications (1 of 4 stars). 2 submissions from 2 submitters: Uncertain significance (1); Likely benign (1). Last evaluated 2023-12-01.

Conditions:
Primary ciliary dyskinesia. Also called: Ciliary dyskinesia. Identifiers: Orphanet 244, MedGen C0008780, MONDO:0016575, HP:0012265.

Submissions (2):

Labcorp Genetics (formerly Invitae), Labcorp
Classification: Likely benign for Primary ciliary dyskinesia. Last evaluated: 2023-12-01. Review status: criteria provided, single submitter. Criteria: Invitae Variant Classification Sherloc (09022015). Collection method: clinical testing. Allele origin: germline.

Ambry Genetics
Classification: Uncertain significance for Primary ciliary dyskinesia. Last evaluated: 2017-04-13. Review status: criteria provided, single submitter. Criteria: Ambry Variant Classification Scheme 2023. Collection method: clinical testing. Allele origin: germline.
Comment: The c.6989-7_6989-5dupATT intronic variant results from a duplication of 3 nucleotides, 7 nucleotides upstream from coding exon 43 of the DNAH5 gene. These nucleotide positions are not well conserved in available vertebrate species. Using the BDGP and ESEfinder splice site prediction tools, this alteration is not predicted to have any significant effect on this splice acceptor site; however, direct evidence is unavailable. Since supporting evidence is limited at this time, the clinical significance of this alteration remains unclear.

NM_001369.3(DNAH5):c.6989-7_6989-5dup

Gene: DNAH5 (dynein axonemal heavy chain 5; minus strand). Cytogenetic location: 5p15.2.
Variant type: Duplication.
Coding change: c.6989-7_6989-5dup on transcript NM_001369.3 (MANE Select); 7 bases into the intron before coding-DNA position 6989 through 5 bases into the intron before coding-DNA position 6989, 3 bases duplicated (ATT; older notation c.6989-7_6989-5dupATT).
Molecular consequence: intron variant.
Genome position (GRCh38, 1-based): chr5:13,814,851-13,814,853, AAT duplicated on the plus strand (ATT on the coding strand, the reverse complement: DNAH5 is on the minus strand); duplicating any 3 consecutive bases within chr5:13,814,851-13,814,854 gives the same sequence; the c. name uses the placement nearest the transcript's 3' end. VCF-style (leftmost placement, unchanged base first): chr5-13814850-G-GAAT. GRCh37 (hg19) VCF-style: chr5-13814959-G-GAAT.
Identifiers: ClinVar variation 1112113 (VCV001112113.11), dbSNP rs1460888052, ClinGen allele CA804498965.